The following is an entry in ClinVar:

ClinVar aggregate classification (germline): Uncertain significance (1 of 4 stars; one submission).

Conditions:
Epilepsy, childhood absence, susceptibility to, 1. Also called: Epilepsy, childhood absence 1. Identifiers: Orphanet 64280, MedGen C1838604, MONDO:0020759, OMIM 600131.
Epilepsy, childhood absence, susceptibility to, 5. Identifiers: Orphanet 64280, MedGen C2677087, MONDO:0012843, OMIM 612269.

Submission:

Labcorp Genetics (formerly Invitae), Labcorp
Classification: Uncertain significance for Epilepsy, childhood absence, susceptibility to, 5; Epilepsy, childhood absence, susceptibility to, 1. Last evaluated: 2022-04-29. Review status: criteria provided, single submitter. Criteria: Invitae Variant Classification Sherloc (09022015). Collection method: clinical testing. Allele origin: germline.
Comment: This variant is not present in population databases (gnomAD no frequency). This variant, c.1414_1416del, results in the deletion of 1 amino acid(s) of the GABRB3 protein (p.Val472del), but otherwise preserves the integrity of the reading frame. This variant has not been reported in the literature in individuals affected with GABRB3-related conditions. In summary, the available evidence is currently insufficient to determine the role of this variant in disease. Therefore, it has been classified as a Variant of Uncertain Significance. Experimental studies and prediction algorithms are not available or were not evaluated, and the functional significance of this variant is currently unknown.

NM_000814.6(GABRB3):c.1414_1416del (p.Val472del)

Gene: GABRB3 (gamma-aminobutyric acid type A receptor subunit beta3; minus strand). Cytogenetic location: 15q12.
Variant type: Deletion.
Coding change: c.1414_1416del on transcript NM_000814.6 (MANE Select); coding-DNA positions 1414 to 1416, 3 bases deleted (GTT; older notation c.1414_1416delGTT).
Protein change: p.Val472del; deletes valine 472.
Molecular consequence: inframe deletion.
Genome position (GRCh38, 1-based): chr15:26,547,799-26,547,801, AAC deleted on the plus strand (GTT on the coding strand, the reverse complement: GABRB3 is on the minus strand); deleting any 3 consecutive bases within chr15:26,547,799-26,547,802 gives the same sequence; the c. name uses the placement nearest the transcript's 3' end. VCF-style (leftmost placement, unchanged base first): chr15-26547798-TAAC-T. GRCh37 (hg19) VCF-style: chr15-26792945-TAAC-T.
Other names: c.1159_1161del, p.Val387del (NM_001191320.2, NM_001278631.2); c.1201_1203del, p.Val401del (NM_001191321.3); c.1414_1416del, p.Val472del (NM_021912.5); short protein forms V401del, V387del, V472del.
Identifiers: ClinVar variation 2131791 (VCV002131791.4), dbSNP rs2504113677, ClinGen allele CA2580089137.